The following is an entry in ClinVar:

ClinVar aggregate classification (germline): Uncertain significance (1 of 4 stars; one submission).

Submission:

Labcorp Genetics (formerly Invitae), Labcorp
Classification: Uncertain significance. Last evaluated: 2025-10-21. Review status: criteria provided, single submitter. Criteria: Invitae Variant Classification Sherloc (09022015). Collection method: clinical testing. Allele origin: germline.
Comment: This variant, c.850_851insCCACCACCA, results in the insertion of 3 amino acid(s) of the NUP62 protein (p.Ser283_Ser284insThrThrThr), but otherwise preserves the integrity of the reading frame. This variant is present in population databases (no rsID available, gnomAD 0.003%). This variant has not been reported in the literature in individuals affected with NUP62-related conditions. Experimental studies and prediction algorithms are not available or were not evaluated, and the functional significance of this variant is currently unknown. In summary, the available evidence is currently insufficient to determine the role of this variant in disease. Therefore, it has been classified as a Variant of Uncertain Significance.

NM_016553.5(NUP62):c.851CCA[3] (p.Ser283_Ser284insThrThrThr)

Genes: IL4I1 (interleukin 4 induced 1; minus strand), NUP62 (nucleoporin 62; minus strand). Cytogenetic location: 19q13.33.
Variant type: Microsatellite.
Coding change: c.851CCA[3] on transcript NM_016553.5 (MANE Select); three copies in a row of the 3-base unit CCA starting at c.851.
Protein change: p.Ser283_Ser284insThrThrThr.
Molecular consequence: inframe insertion. On other transcripts: intron variant (3).
Genome position: GRCh38 VCF-style: chr19-49908957-C-CTGGTGGTGG. GRCh37 (hg19) VCF-style: chr19-50412214-C-CTGGTGGTGG.
Other names: c.851CCA[3], p.Ser283_Ser284insThrThrThr (NM_001193357.2, NM_012346.5, NM_153718.4 and 1 more transcripts); c.-227-4637_-227-4636insCACCACCAC (NM_001258017.2, NM_172374.3); c.-285-4637_-285-4636insCACCACCAC (NM_001258018.2).
Identifiers: ClinVar variation 1930728 (VCV001930728.4), dbSNP rs755277180, ClinGen allele CA633895570.